The following is an entry in ClinVar:

NM_024854.5(PYROXD1):c.488T>C (p.Val163Ala)

Gene: PYROXD1 (pyridine nucleotide-disulphide oxidoreductase domain 1; plus strand). Cytogenetic location: 12p12.1.
Variant type: single nucleotide variant.
Coding change: c.488T>C on transcript NM_024854.5 (MANE Select); coding-DNA position 488, T replaced by C.
Protein change: p.Val163Ala; replaces valine 163 with alanine.
Molecular consequence: missense variant. On other transcripts: intron variant (1).
Genome position (GRCh38, 1-based): chr12:21,452,154, T>C. VCF-style: chr12-21452154-T-C. GRCh37 (hg19) VCF-style: chr12-21605088-T-C.
Other names: c.275T>C, p.Val92Ala (NM_001350912.2); c.-290+2463T>C (NM_001350913.2); short protein forms V163A, V92A.
Identifiers: ClinVar variation 1941254 (VCV001941254.5), dbSNP rs761444705, ClinGen allele CA6478224.

ClinVar aggregate classification (germline): Uncertain significance (1 of 4 stars; one submission).

Allele frequency attached by ClinVar (database versions not stated): gnomAD exomes below 0.00001; TOPMed 0.00002; gnomAD 0.00003.

Submission:

Labcorp Genetics (formerly Invitae), Labcorp
Classification: Uncertain significance. Last evaluated: 2022-08-08. Review status: criteria provided, single submitter. Criteria: Invitae Variant Classification Sherloc (09022015). Collection method: clinical testing. Allele origin: germline.
Comment: This variant has not been reported in the literature in individuals affected with PYROXD1-related conditions. This sequence change replaces valine, which is neutral and non-polar, with alanine, which is neutral and non-polar, at codon 163 of the PYROXD1 protein (p.Val163Ala). This variant is present in population databases (rs761444705, gnomAD 0.01%). Algorithms developed to predict the effect of missense changes on protein structure and function output the following: SIFT: "Tolerated"; PolyPhen-2: "Benign"; Align-GVGD: "Class C0". The alanine amino acid residue is found in multiple mammalian species, which suggests that this missense change does not adversely affect protein function. In summary, the available evidence is currently insufficient to determine the role of this variant in disease. Therefore, it has been classified as a Variant of Uncertain Significance.